The following is an entry in ClinVar:

ClinVar aggregate classification (germline): Uncertain significance (1 of 4 stars; one submission).

Conditions:
Hypoplastic left heart syndrome. Also called: Hypoplastic left ventricle; Hypoplastic left heart. Identifiers: Orphanet 2248, MedGen C0152101, MONDO:0004933, HP:0004383.

Allele frequency attached by ClinVar (database versions not stated): TOPMed 0.00002; gnomAD 0.00003; ExAC 0.00007.
gnomAD v4.1: 18 of 1,599,652 alleles (0.0011%); highest among the groups gnomAD compares: East Asian, 0.0089%; no homozygotes.

Submission:

Labcorp Genetics (formerly Invitae), Labcorp
Classification: Uncertain significance for Hypoplastic left heart syndrome. Last evaluated: 2025-10-19. Review status: criteria provided, single submitter. Criteria: Invitae Variant Classification Sherloc (09022015). Collection method: clinical testing. Allele origin: germline.
Comment: This sequence change replaces alanine, which is neutral and non-polar, with glutamic acid, which is acidic and polar, at codon 58 of the HAND1 protein (p.Ala58Glu). This variant is present in population databases (rs201496181, gnomAD 0.03%). This missense change has been observed in individual(s) with syndromic structural heart defects (PMID: 21519287). ClinVar contains an entry for this variant (Variation ID: 2960457). An algorithm developed to predict the effect of missense changes on protein structure and function (PolyPhen-2) suggests that this variant is likely to be tolerated. In summary, the available evidence is currently insufficient to determine the role of this variant in disease. Therefore, it has been classified as a Variant of Uncertain Significance.

Literature cited by the submitters: PubMed 21519287.

NM_004821.3(HAND1):c.173C>A (p.Ala58Glu)

Gene: HAND1 (heart and neural crest derivatives expressed 1; minus strand). Cytogenetic location: 5q33.2.
Variant type: single nucleotide variant.
Coding change: c.173C>A on transcript NM_004821.3 (MANE Select); coding-DNA position 173, C replaced by A.
Protein change: p.Ala58Glu; replaces alanine 58 with glutamic acid.
Molecular consequence: missense variant.
Genome position (GRCh38, 1-based): chr5:154,477,836, G>T on the plus strand (C>A on the coding strand, the complement: HAND1 is on the minus strand). VCF-style: chr5-154477836-G-T. GRCh37 (hg19) VCF-style: chr5-153857396-G-T.
Other names: short protein forms A58E.
Identifiers: ClinVar variation 2960457 (VCV002960457.3), dbSNP rs201496181, ClinGen allele CA3526623.
Genomic context (GRCh38, chr5:154,477,836, plus strand): 5'-GGCCTGGCGTCAGGACCATAGGCGGTGGCGGCTGCAGCGGCCGCGGGCGGCGGCCCGCCC[G>T]CAGGGAAGTCCGGGGCAGCGTCAGCCGGGCTCAGCAGCCAGCTCTGGAAGTAGGGCCTTT-3'
Protein context (NP_004812.1, residues 48-68): SPADAAPDFP[Ala58Glu]GGPPPAAAAA